The following is an entry in ClinVar:

NM_000059.4(BRCA2):c.7379dup (p.Asn2460fs)

Gene: BRCA2 (BRCA2 DNA repair associated; plus strand). Cytogenetic location: 13q13.1.
Variant type: Duplication.
Coding change: c.7379dup on transcript NM_000059.4 (MANE Select); coding-DNA position 7379, one base duplicated (A; older notation c.7379dupA).
Protein change: p.Asn2460fs; shifts the reading frame from asparagine 2460.
Molecular consequence: frameshift variant.
Genome position (GRCh38, 1-based): chr13:32,355,232, A duplicated; the last of 5 consecutive A bases (chr13:32,355,228-32,355,232); duplicating any one gives the same sequence. VCF-style (leftmost placement, unchanged base first): chr13-32355227-C-CA. GRCh37 (hg19) VCF-style: chr13-32929364-C-CA.
Other names: c.7379dupA (NM_000059.3); short protein forms N2460fs.
Identifiers: ClinVar variation 629253 (VCV000629253.4), dbSNP rs397507914, ClinGen allele CA913188635.

ClinVar aggregate classification (germline): Pathogenic (1 of 4 stars; one submission).

Conditions:
Hereditary cancer-predisposing syndrome. Also called: Neoplastic Syndromes, Hereditary; Tumor predisposition; Hereditary neoplastic syndrome; Hereditary Cancer Syndrome. Identifiers: Orphanet 140162, MedGen C0027672, MeSH D009386, MONDO:0015356.

Submission:

Color Diagnostics, LLC DBA Color Health
Classification: Pathogenic for Hereditary cancer-predisposing syndrome. Last evaluated: 2020-01-15. Review status: criteria provided, single submitter. Criteria: ACMG Guidelines, 2015. Collection method: clinical testing. Allele origin: germline.
Comment: This variant inserts 1 nucleotide in exon 14 of the BRCA2 gene, creating a frameshift and premature translation stop signal. This variant is expected to result in an absent or non-functional protein product. This variant has not been identified in the general population by the Genome Aggregation Database (gnomAD). Loss of BRCA2 function is a known mechanism of disease. Based on the available evidence, this variant is classified as Pathogenic.